The following is an entry in ClinVar:

ClinVar aggregate classification (germline): Uncertain significance (1 of 4 stars; one submission).

Submission:

Labcorp Genetics (formerly Invitae), Labcorp
Classification: Uncertain significance. Last evaluated: 2022-08-15. Review status: criteria provided, single submitter. Criteria: Invitae Variant Classification Sherloc (09022015). Collection method: clinical testing. Allele origin: germline.
Comment: In summary, the available evidence is currently insufficient to determine the role of this variant in disease. Therefore, it has been classified as a Variant of Uncertain Significance. This sequence change replaces serine, which is neutral and polar, with glycine, which is neutral and non-polar, at codon 262 of the FOXI1 protein (p.Ser262Gly). This variant is not present in population databases (gnomAD no frequency). This variant has not been reported in the literature in individuals affected with FOXI1-related conditions. Algorithms developed to predict the effect of missense changes on protein structure and function output the following: SIFT: "Tolerated"; PolyPhen-2: "Benign"; Align-GVGD: "Class C0". The glycine amino acid residue is found in multiple mammalian species, which suggests that this missense change does not adversely affect protein function.

NM_012188.5(FOXI1):c.784A>G (p.Ser262Gly)

Gene: FOXI1 (forkhead box I1; plus strand). Cytogenetic location: 5q35.1.
Variant type: single nucleotide variant.
Coding change: c.784A>G on transcript NM_012188.5 (MANE Select); coding-DNA position 784, A replaced by G.
Protein change: p.Ser262Gly; replaces serine 262 with glycine.
Molecular consequence: missense variant. On other transcripts: intron variant (1).
Genome position (GRCh38, 1-based): chr5:170,108,258, A>G. VCF-style: chr5-170108258-A-G. GRCh37 (hg19) VCF-style: chr5-169535262-A-G.
Other names: c.575-76A>G (NM_144769.4); short protein forms S262G.
Identifiers: ClinVar variation 1999972 (VCV001999972.4), dbSNP rs2532550418, ClinGen allele CA362127311.